The following is an entry in ClinVar:

NM_152424.4(AMER1):c.759G>T (p.Met253Ile)

Gene: AMER1 (APC membrane recruitment protein 1; minus strand). Cytogenetic location: Xq11.2.
Variant type: single nucleotide variant.
Coding change: c.759G>T on transcript NM_152424.4 (MANE Select); coding-DNA position 759, G replaced by T.
Protein change: p.Met253Ile; replaces methionine 253 with isoleucine.
Molecular consequence: missense variant.
Genome position (GRCh38, 1-based): chrX:64,192,528, C>A on the plus strand (G>T on the coding strand, the complement: AMER1 is on the minus strand). VCF-style: chrX-64192528-C-A. GRCh37 (hg19) VCF-style: chrX-63412408-C-A.
Other names: short protein forms M253I.
Identifiers: ClinVar variation 1948232 (VCV001948232.5), dbSNP rs1930274035, ClinGen allele CA413309678.
Genomic context (GRCh38, chrX:64,192,528, plus strand): 5'-CTTGGGTTGCACATGTGCTGAGGCACAGGCCTCCATGGGTTTTTCTGGATCTTTACAGGC[C>A]ATTTTCTCAGTAGCTGGTGGAGAAGGTTCTGGTGTTGGAGAAACTTTTGGCCCAGGGGCA-3'
Protein context (NP_689637.3, residues 243-263): PEPSPPATEK[Met253Ile]ACKDPEKPME

ClinVar aggregate classification (germline): Uncertain significance (1 of 4 stars; one submission).

Submission:

Labcorp Genetics (formerly Invitae), Labcorp
Classification: Uncertain significance. Last evaluated: 2023-09-27. Review status: criteria provided, single submitter. Criteria: Invitae Variant Classification Sherloc (09022015). Collection method: clinical testing. Allele origin: germline.
Comment: ClinVar contains an entry for this variant (Variation ID: 1948232). This sequence change replaces methionine, which is neutral and non-polar, with isoleucine, which is neutral and non-polar, at codon 253 of the AMER1 protein (p.Met253Ile). This variant is not present in population databases (gnomAD no frequency). This variant has not been reported in the literature in individuals affected with AMER1-related conditions. Algorithms developed to predict the effect of missense changes on protein structure and function output the following: SIFT: "Not Available"; PolyPhen-2: "Benign"; Align-GVGD: "Not Available". The isoleucine amino acid residue is found in multiple mammalian species, which suggests that this missense change does not adversely affect protein function. In summary, the available evidence is currently insufficient to determine the role of this variant in disease. Therefore, it has been classified as a Variant of Uncertain Significance.